The following is an entry in ClinVar:

ClinVar aggregate classification (germline): Likely pathogenic (1 of 4 stars; one submission).

Conditions:
Leber congenital amaurosis 1 (LCA1). Also called: Congenital absence of the rods and cones; Leber's congenital tapetoretinal degeneration; Leber's congenital tapetoretinal dysplasia; AMAUROSIS CONGENITA OF LEBER I; RETINAL BLINDNESS, CONGENITAL. Identifiers: Orphanet 65, MedGen C2931258, MONDO:0008764, OMIM 204000.

Submission:

Department of Paediatric Medicine, Post Graduation Institute of Medical Education and Research
Classification: Likely pathogenic for Leber congenital amaurosis 1. Last evaluated: 2020-03-19. Review status: criteria provided, single submitter. Criteria: ACMG Guidelines, 2015. Collection method: clinical testing. Allele origin: inherited. Inheritance: Autosomal recessive inheritance. Affected: yes. Observed: 1 variant allele, 1 homozygote.
Comment: A homozygous missense variation in exon 9 of the GUCY2D gene (chr17:g.8012331T>C; Depth: 114x) that results in the amino acid substitution of Proline for Leucine at codon 646 (p.Leu646Pro; ENST00000254854.5) was detected. A different missense variation (p.Ser645Pro) in the nearby codon has previously been reported in a patient affected with Leber congenital amaurosis and it lies in the protein tyrosine kinase domain of the GUCY2D protein. The p.Leu646Pro variant has not been reported in the 1000 genomes, ExAC and our internal databases. The in silico predictions# of the variant are probably damaging by PolyPhen-2 (HumDiv) and damaging by SIFT, LRT and MutationTaster2. The reference codon is conserved across species.

NM_000180.4(GUCY2D):c.1937T>C (p.Leu646Pro)

Gene: GUCY2D (guanylate cyclase 2D, retinal; plus strand). Cytogenetic location: 17p13.1.
Variant type: single nucleotide variant.
Coding change: c.1937T>C on transcript NM_000180.4 (MANE Select); coding-DNA position 1937, T replaced by C.
Protein change: p.Leu646Pro; replaces leucine 646 with proline.
Molecular consequence: missense variant.
Genome position (GRCh38, 1-based): chr17:8,012,331, T>C. VCF-style: chr17-8012331-T-C. GRCh37 (hg19) VCF-style: chr17-7915649-T-C.
Other names: short protein forms L646P.
Identifiers: ClinVar variation 975046 (VCV000975046.3), dbSNP rs1975868606, ClinGen allele CA397951891.